The following is an entry in ClinVar:

ClinVar aggregate classification (germline): Pathogenic/Likely pathogenic. Review status: criteria provided, multiple submitters, no conflicts (2 of 4 stars). 17 submissions from 17 submitters: Pathogenic (14); Likely pathogenic (1). 2 of the submissions do not count toward it. Last evaluated 2026-06-24.

Conditions:
SFTPC-related disorder. Also called: SFTPC-related condition.
Pulmonary fibrosis. Identifiers: MedGen C0034069, MONDO:0002771, HP:0002206.
Hereditary pulmonary alveolar proteinosis. Also called: Pulmonary surfactant metabolism dysfunction. Identifiers: Orphanet 264675, MedGen C3711368, MONDO:0012580.
Surfactant metabolism dysfunction, pulmonary, 2 (SMDP2). Also called: INTERSTITIAL LUNG DISEASE DUE TO SURFACTANT PROTEIN C DEFICIENCY; PULMONARY ALVEOLAR PROTEINOSIS, CONGENITAL, 2; DESQUAMATIVE INTERSTITIAL PNEUMONITIS DUE TO SURFACTANT PROTEIN C DEFICIENCY. Identifiers: Orphanet 440392, MedGen C1970470, MONDO:0024465, OMIM 610913.

Allele frequency attached by ClinVar (database versions not stated): TOPMed 0.00001.
gnomAD v4.1: 4 of 1,614,090 alleles (0.00025%); highest among the groups gnomAD compares: Non-Finnish European, 0.00034%; no homozygotes.

Submissions (17):

PreventionGenetics, part of Exact Sciences
Classification: Pathogenic for SFTPC-related condition. Last evaluated: 2026-06-24. Review status: criteria provided, single submitter. Criteria: ACMG Guidelines, 2015. Collection method: clinical testing. Allele origin: germline.
Comment: The SFTPC c.218T>C variant is predicted to result in the amino acid substitution p.Ile73Thr. This variant is commonly found within patients with surfactant protein C deficiency and is causative for disease (Guillot et al. 2009. PubMed ID: 19443464; Percopo et al. 2004. PubMed ID: 15572558; Crossno et al. 2010. PubMed ID: 20371530; Hayasaka et al. 2018. PubMed ID: 29569581). This variant has not been reported in a large population database (gnomAD). This variant is interpreted as pathogenic.

Labcorp Genetics (formerly Invitae), Labcorp
Classification: Pathogenic. Last evaluated: 2026-01-11. Review status: criteria provided, single submitter. Criteria: Invitae Variant Classification Sherloc (09022015). Collection method: clinical testing. Allele origin: germline.
Comment: This sequence change replaces isoleucine, which is neutral and non-polar, with threonine, which is neutral and polar, at codon 73 of the SFTPC protein (p.Ile73Thr). This variant is not present in population databases (gnomAD no frequency). This missense change has been observed in individual(s) with childhood interstitial lung disease (PMID: 15293602, 15572558, 15756222). In at least one individual the variant was observed to be de novo. It has also been observed to segregate with disease in related individuals. ClinVar contains an entry for this variant (Variation ID: 13208). An algorithm developed to predict the effect of missense changes on protein structure and function (PolyPhen-2) suggests that this variant is likely to be disruptive. Experimental studies have shown that this missense change affects SFTPC function (PMID: 21707890). For these reasons, this variant has been classified as Pathogenic.

3billion
Classification: Pathogenic for Surfactant metabolism dysfunction, pulmonary, 2. Last evaluated: 2025-09-17. Review status: criteria provided, single submitter. Criteria: ACMG Guidelines, 2015. Collection method: clinical testing. Allele origin: germline. Affected: yes.
Comment: The variant is observed at an extremely low frequency in the gnomAD v4.1.0 dataset (total allele frequency: <0.001%). Predicted Consequence/Location: Missense variant Functional studies provide moderate evidence of the variant having a damaging effect on the gene or gene product (PMID: 21092132). In silico tool predictions suggest damaging effect of the variant on gene or gene product [REVEL: 0.73 (>=0.6, sensitivity 0.68 and specificity 0.92); 3Cnet: 0.93 (> 0.75, sensitivity 0.96 and precision 0.92)]. The same nucleotide change resulting in the same amino acid change has been previously reported as pathogenic/likely pathogenic with strong evidence (ClinVar ID: VCV000013208 /PMID: 11893657 /3billion dataset). A different missense change at the same codon (p.Ile73Asn) has been reported to be associated with SFTPC-related disorder (PMID: 31081264). Therefore, this variant is classified as Pathogenic according to the recommendation of ACMG/AMP guideline.

GeneDx
Classification: Pathogenic. Last evaluated: 2024-01-17. Review status: criteria provided, single submitter. Criteria: GeneDx Variant Classification Process June 2021. Collection method: clinical testing. Allele origin: germline. Affected: yes.
Comment: Published functional studies demonstrate damaging effects including impaired uptake and degradation of surfactant phospholipid and accumulation of dysfunctional mitochondria (PMID: 21707890, 25344067); Not observed at significant frequency in large population cohorts (gnomAD); In silico analysis supports that this missense variant has a deleterious effect on protein structure/function; This variant is associated with the following publications: (PMID: 22461427, 26925580, 15572558, 32851322, 21707890, 25582472, 11893657, 25344067, 18643778, 21092132, 25553246, 20371530, 23701443, 15756222, 23926107, 25755194, 17597647, 15293602, 29569581, 31081264, 30630227, 31462320, 32095252, 28495692, 34134972, 33942430)

Department of Human Genetics, Hannover Medical School
Classification: Likely pathogenic for Surfactant metabolism dysfunction, pulmonary, 2. Last evaluated: 2023-12-11. Review status: criteria provided, single submitter. Criteria: ACMG Guidelines, 2015. Collection method: clinical testing. Allele origin: germline. Affected: yes.

Genomic Medicine Lab, University of California San Francisco
Classification: Pathogenic for Surfactant metabolism dysfunction, pulmonary, 2. Last evaluated: 2023-10-30. Review status: criteria provided, single submitter. Criteria: ACMG Guidelines, 2015. Collection method: clinical testing. Allele origin: unknown. Affected: no.

Blueprint Genetics
Classification: Pathogenic for SFTPC-related disorders. Last evaluated: 2023-07-28. Review status: criteria provided, single submitter. Criteria: ACMG Guidelines, 2015. Collection method: clinical testing. Allele origin: germline. Affected: yes. Observed: 5 variant alleles.

Baylor Genetics
Classification: Pathogenic for Surfactant metabolism dysfunction, pulmonary, 2. Last evaluated: 2023-02-27. Review status: criteria provided, single submitter. Criteria: ACMG Guidelines, 2015. Collection method: clinical testing. Allele origin: unknown.

Ambry Genetics
Classification: Pathogenic for Hereditary pulmonary alveolar proteinosis. Last evaluated: 2022-08-26. Review status: criteria provided, single submitter. Criteria: Ambry Variant Classification Scheme 2023. Collection method: clinical testing. Allele origin: germline.
Comment: The c.218T>C (p.I73T) alteration is located in exon 3 (coding exon 3) of the SFTPC gene. This alteration results from a T to C substitution at nucleotide position 218, causing the isoleucine (I) at amino acid position 73 to be replaced by a threonine (T). This variant was not reported in population-based cohorts in the Genome Aggregation Database (gnomAD). This mutation is considered to account for approximately 30% of described mutations in the SFTPC gene. It was described in a large kindred with multiple individuals to co-segregate with lung disease of variable severity (Cameron, 2005) and has been reported as a de novo occurrence in several unrelated patients (Guillot, 2009). This amino acid position is not well conserved in available vertebrate species. In vitro studies have demonstrated that this alteration interferes with correct processing and routing of the final protein, as well as reduction in lipid degradation (Beers, 2011). The in silico prediction for this alteration is inconclusive. Based on the available evidence, this alteration is classified as pathogenic.

Beijing Key Laboratry for Genetics of Birth Defects, Beijing Children's Hospital
Classification: Pathogenic for Surfactant metabolism dysfunction, pulmonary, 2. Last evaluated: 2020-12-20. Review status: criteria provided, single submitter. Criteria: ACMG Guidelines, 2015. Collection method: clinical testing. Allele origin: germline. Affected: yes. Observed: 1 variant allele.

Revvity Omics, Revvity
Classification: Pathogenic for Surfactant metabolism dysfunction, pulmonary, 2. Last evaluated: 2020-02-13. Review status: criteria provided, single submitter. Criteria: ACMG Guidelines, 2015. Collection method: clinical testing. Allele origin: germline.

Johns Hopkins Genomics, Johns Hopkins University
Classification: Pathogenic for Surfactant metabolism dysfunction, pulmonary, 2. Last evaluated: 2019-11-26. Review status: criteria provided, single submitter. Criteria: ACMG Guidelines, 2015. Collection method: clinical testing. Allele origin: germline.
Comment: This previously reported SFTPC variant results in mistrafficking of the SFTPC pre-protein and has been identified in multiple individuals with surfactant protein C deficiency. We consider this variant to be pathogenic.

Eurofins Ntd Llc (ga)
Classification: Pathogenic. Last evaluated: 2018-01-04. Review status: criteria provided, single submitter. Criteria: EGL Classification Definitions 2015. Collection method: clinical testing. Allele origin: germline. Observed: 1 variant allele, 1 heterozygote.

Molecular Diagnostics Laboratory, M Health Fairview: University of Minnesota
Classification: Pathogenic for Surfactant metabolism dysfunction, pulmonary, 2. Last evaluated: 2017-08-28. Review status: criteria provided, single submitter. Criteria: ACMG Guidelines, 2015. Collection method: clinical testing. Allele origin: germline. Affected: yes. Observed: 1 variant allele.

Neuberg Centre For Genomic Medicine, NCGM
Classification: Pathogenic for Surfactant metabolism dysfunction, pulmonary, 2. Review status: criteria provided, single submitter. Criteria: ACMG Guidelines, 2015. Collection method: clinical testing. Allele origin: germline. Inheritance: Autosomal dominant inheritance. Affected: yes.
Comment: The p.Ile73Thr variant has been previously reported in patients affected with interstitial lung disease (Liu et al, 2019). This previously reported SFTPC variant results in mistrafficking of the SFTPC pre-protein and has been identified in multiple individuals with surfactant protein C deficiency. This variant has been reported to the ClinVar database as Pathogenic. This variant is novel (not in any individuals) in 1000 Genomes. The amino acid Ile at position 73 is changed to a Thr changing protein sequence and it might alter its composition and physico-chemical properties. The variant is predicted to be damaging by both SIFT and PolyPhen2. The residue is conserved across species. The amino acid change p.Ile73Thr in SFTPC is predicted as conserved by GERP++ and PhyloP across 100 vertebrates. For these reasons, this variant has been classified as Pathogenic

Garcia Pulmonary Genetics Research Laboratory, Columbia University Irving Medical Center
Classification: Likely risk allele for Pulmonary fibrosis. Last evaluated: 2022-06-09. Review status: no assertion criteria provided. Collection method: research. Allele origin: germline. Affected: yes. Not counted in ClinVar's aggregate classification.

OMIM
Classification: Pathogenic for SURFACTANT METABOLISM DYSFUNCTION, PULMONARY, 2. Last evaluated: 2009-07-01. Review status: no assertion criteria provided. Collection method: literature only. Allele origin: germline. Not counted in ClinVar's aggregate classification.

Literature cited by the submitters: PubMed 15293602 (cited by 4 submitters); PubMed 15572558 (cited by 3 submitters); PubMed 15756222 (cited by 4 submitters); PubMed 21707890 (cited by Labcorp Genetics (formerly Invitae), Labcorp and Ambry Genetics); PubMed 11893657 (cited by 3billion); PubMed 21092132 (cited by 3billion and Eurofins Ntd Llc (ga)); PubMed 31081264 (cited by 3billion and Beijing Key Laboratry for Genetics of Birth Defects, Beijing Children's Hospital); PubMed 17597647 (cited by Ambry Genetics and Eurofins Ntd Llc (ga)); PubMed 19443464 (cited by 3 submitters); PubMed 15039969 (cited by OMIM).

NM_001317778.2(SFTPC):c.218T>C (p.Ile73Thr)

Gene: SFTPC (surfactant protein C; plus strand). Cytogenetic location: 8p21.3.
Variant type: single nucleotide variant.
Coding change: c.218T>C on transcript NM_001317778.2 (MANE Select); coding-DNA position 218, T replaced by C.
Protein change: p.Ile73Thr; replaces isoleucine 73 with threonine.
Molecular consequence: missense variant.
Genome position (GRCh38, 1-based): chr8:22,163,096, T>C. VCF-style: chr8-22163096-T-C. GRCh37 (hg19) VCF-style: chr8-22020609-T-C.
Other names: c.218T>C, p.Ile73Thr (NM_001172357.2, NM_001172410.2, NM_001317780.2 and 1 more transcripts); c.59T>C, p.Ile20Thr (NM_001317779.2); short protein forms I73T, I20T.
Identifiers: ClinVar variation 13208 (VCV000013208.56), dbSNP rs121917834, ClinGen allele CA210536.